The following is an entry in ClinVar:

ClinVar aggregate classification (germline): Uncertain significance. Review status: criteria provided, multiple submitters, no conflicts (2 of 4 stars). 2 submissions from 2 submitters: Uncertain significance (2). Last evaluated 2026-03-21.

Conditions:
Hypertrophic cardiomyopathy. Also called: HYPERTROPHIC MYOCARDIOPATHY. Identifiers: Orphanet 217569, MedGen C0007194, MeSH D002312, MONDO:0005045, HP:0001639.

Allele frequency attached by ClinVar (database versions not stated): gnomAD 0.00001; gnomAD exomes 0.00001; TOPMed 0.00001; ESP Exome Variant Server 0.00008.
gnomAD v4.1: 8 of 1,609,700 alleles (0.0005%); highest among the groups gnomAD compares: Non-Finnish European, 0.00068%; no homozygotes.

Submissions (2):

Ambry Genetics
Classification: Uncertain significance. Last evaluated: 2026-03-21. Review status: criteria provided, single submitter. Criteria: Ambry Variant Classification Scheme 2023. Collection method: clinical testing. Allele origin: germline.
Comment: The p.T203A variant (also known as c.607A>G), located in coding exon 3 of the MYOM1 gene, results from an A to G substitution at nucleotide position 607. The threonine at codon 203 is replaced by alanine, an amino acid with similar properties. This amino acid position is conserved. In addition, this alteration is predicted to be tolerated by in silico analysis. Based on the available evidence, the clinical significance of this variant remains unclear.

Labcorp Genetics (formerly Invitae), Labcorp
Classification: Uncertain significance for Hypertrophic cardiomyopathy. Last evaluated: 2025-06-24. Review status: criteria provided, single submitter. Criteria: Invitae Variant Classification Sherloc (09022015). Collection method: clinical testing. Allele origin: germline.
Comment: This sequence change replaces threonine, which is neutral and polar, with alanine, which is neutral and non-polar, at codon 203 of the MYOM1 protein (p.Thr203Ala). This variant is present in population databases (rs369999119, gnomAD 0.007%). This variant has not been reported in the literature in individuals affected with MYOM1-related conditions. ClinVar contains an entry for this variant (Variation ID: 662028). An algorithm developed to predict the effect of missense changes on protein structure and function outputs the following: PolyPhen-2: "Benign". The alanine amino acid residue is found in multiple mammalian species, which suggests that this missense change does not adversely affect protein function. In summary, the available evidence is currently insufficient to determine the role of this variant in disease. Therefore, it has been classified as a Variant of Uncertain Significance.

NM_003803.4(MYOM1):c.607A>G (p.Thr203Ala)

Gene: MYOM1 (myomesin 1; minus strand). Cytogenetic location: 18p11.31.
Variant type: single nucleotide variant.
Coding change: c.607A>G on transcript NM_003803.4 (MANE Select); coding-DNA position 607, A replaced by G.
Protein change: p.Thr203Ala; replaces threonine 203 with alanine.
Molecular consequence: missense variant.
Genome position (GRCh38, 1-based): chr18:3,188,912, T>C on the plus strand (A>G on the coding strand, the complement: MYOM1 is on the minus strand). VCF-style: chr18-3188912-T-C. GRCh37 (hg19) VCF-style: chr18-3188910-T-C.
Other names: c.607A>G, p.Thr203Ala (NM_019856.2); short protein forms T203A.
Identifiers: ClinVar variation 662028 (VCV000662028.11), dbSNP rs369999119, ClinGen allele CA295517635.